The following is an entry in ClinVar:

ClinVar aggregate classification (germline): Uncertain significance (1 of 4 stars; one submission).

Conditions:
Perlman syndrome (PRLMNS). Identifiers: Orphanet 2849, MedGen C0796113, MONDO:0009965, OMIM 267000.

Allele frequency attached by ClinVar (database versions not stated): gnomAD exomes below 0.00001.
gnomAD v4.1: 1 of 1,613,650 alleles (0.000062%); highest among the groups gnomAD compares: Non-Finnish European, 0.000085%; no homozygotes.

Submission:

Labcorp Genetics (formerly Invitae), Labcorp
Classification: Uncertain significance for Perlman syndrome. Last evaluated: 2025-06-30. Review status: criteria provided, single submitter. Criteria: Invitae Variant Classification Sherloc (09022015). Collection method: clinical testing. Allele origin: germline.
Comment: This sequence change falls in intron 7 of the DIS3L2 gene. It does not directly change the encoded amino acid sequence of the DIS3L2 protein. It affects a nucleotide within the consensus splice site. This variant is not present in population databases (gnomAD no frequency). This variant has not been reported in the literature in individuals affected with DIS3L2-related conditions. ClinVar contains an entry for this variant (Variation ID: 2832381). Variants that disrupt the consensus splice site are a relatively common cause of aberrant splicing (PMID: 17576681, 9536098). Algorithms developed to predict the effect of sequence changes on RNA splicing suggest that this variant is not likely to affect RNA splicing. In summary, the available evidence is currently insufficient to determine the role of this variant in disease. Therefore, it has been classified as a Variant of Uncertain Significance.

Literature cited by the submitters: PubMed 17576681; PubMed 9536098.

NM_152383.5(DIS3L2):c.702+3C>A

Gene: DIS3L2 (DIS3 like 3'-5' exoribonuclease 2; plus strand). Cytogenetic location: 2q37.1.
Variant type: single nucleotide variant.
Coding change: c.702+3C>A on transcript NM_152383.5 (MANE Select); 3 bases into the intron after coding-DNA position 702, C replaced by A.
Molecular consequence: intron variant. On other transcripts: synonymous variant (1), non-coding transcript variant (1).
Genome position (GRCh38, 1-based): chr2:232,130,722, C>A. VCF-style: chr2-232130722-C-A. GRCh37 (hg19) VCF-style: chr2-232995432-C-A.
Other names: c.705C>A, p.Val235= (NM_001257282.2); c.702+3C>A (NM_001257281.2).
Identifiers: ClinVar variation 2832381 (VCV002832381.3), dbSNP rs962232288, ClinGen allele CA67511475.